The following is an entry in ClinVar:

NM_020921.4(NIN):c.5554C>T (p.Leu1852Phe)

Gene: NIN (ninein; minus strand). Cytogenetic location: 14q22.1.
Variant type: single nucleotide variant.
Coding change: c.5554C>T on transcript NM_020921.4 (MANE Select); coding-DNA position 5554, C replaced by T.
Protein change: p.Leu1852Phe; replaces leucine 1852 with phenylalanine.
Molecular consequence: missense variant.
Genome position (GRCh38, 1-based): chr14:50,739,382, G>A on the plus strand (C>T on the coding strand, the complement: NIN is on the minus strand). VCF-style: chr14-50739382-G-A. GRCh37 (hg19) VCF-style: chr14-51206100-G-A.
Other names: c.3415C>T, p.Leu1139Phe (NM_016350.5); c.5554C>T, p.Leu1852Phe (NM_182944.3, NM_182946.2); short protein forms L1139F, L1852F.
Identifiers: ClinVar variation 2970876 (VCV002970876.3), dbSNP rs190271223, ClinGen allele CA7181238.

ClinVar aggregate classification (germline): Uncertain significance (1 of 4 stars; one submission).

Allele frequency attached by ClinVar (database versions not stated): gnomAD 0.00001; gnomAD exomes 0.00001; 1000 Genomes Project 30x 0.00047; TOPMed below 0.00001; ExAC 0.00001; 1000 Genomes Project 0.00040.
gnomAD v4.1: 11 of 1,614,210 alleles (0.00068%); highest among the groups gnomAD compares: East Asian, 0.022%; no homozygotes.

Submission:

Labcorp Genetics (formerly Invitae), Labcorp
Classification: Uncertain significance. Last evaluated: 2025-03-20. Review status: criteria provided, single submitter. Criteria: Invitae Variant Classification Sherloc (09022015). Collection method: clinical testing. Allele origin: germline.
Comment: This sequence change replaces leucine, which is neutral and non-polar, with phenylalanine, which is neutral and non-polar, at codon 1852 of the NIN protein (p.Leu1852Phe). This variant is present in population databases (rs190271223, gnomAD 0.04%). This variant has not been reported in the literature in individuals affected with NIN-related conditions. ClinVar contains an entry for this variant (Variation ID: 2970876). An algorithm developed to predict the effect of missense changes on protein structure and function (PolyPhen-2) suggests that this variant is likely to be tolerated. In summary, the available evidence is currently insufficient to determine the role of this variant in disease. Therefore, it has been classified as a Variant of Uncertain Significance.